The following is an entry in ClinVar:

ClinVar aggregate classification (germline): Uncertain significance (1 of 4 stars; one submission).

Conditions:
Alstrom syndrome (ALMS). Identifiers: Orphanet 64, MedGen C0268425, MONDO:0008763, OMIM 203800.

Allele frequency attached by ClinVar (database versions not stated): gnomAD exomes below 0.00001.

Submission:

Labcorp Genetics (formerly Invitae), Labcorp
Classification: Uncertain significance for Alstrom syndrome. Last evaluated: 2022-03-26. Review status: criteria provided, single submitter. Criteria: Invitae Variant Classification Sherloc (09022015). Collection method: clinical testing. Allele origin: germline.
Comment: This sequence change replaces aspartic acid, which is acidic and polar, with glycine, which is neutral and non-polar, at codon 1369 of the ALMS1 protein (p.Asp1369Gly). This variant is not present in population databases (gnomAD no frequency). This variant has not been reported in the literature in individuals affected with ALMS1-related conditions. Experimental studies and prediction algorithms are not available or were not evaluated, and the functional significance of this variant is currently unknown. In summary, the available evidence is currently insufficient to determine the role of this variant in disease. Therefore, it has been classified as a Variant of Uncertain Significance.

NM_001378454.1(ALMS1):c.4103A>G (p.Asp1368Gly)

Gene: ALMS1 (ALMS1 centrosome and basal body associated protein; plus strand). Cytogenetic location: 2p13.1.
Variant type: single nucleotide variant.
Coding change: c.4103A>G on transcript NM_001378454.1 (MANE Select); coding-DNA position 4103, A replaced by G.
Protein change: p.Asp1368Gly; replaces aspartic acid 1368 with glycine.
Molecular consequence: missense variant.
Genome position (GRCh38, 1-based): chr2:73,450,630, A>G. VCF-style: chr2-73450630-A-G. GRCh37 (hg19) VCF-style: chr2-73677757-A-G.
Other names: c.4106A>G, p.Asp1369Gly (NM_015120.4); short protein forms D1369G, D1368G.
Identifiers: ClinVar variation 2201632 (VCV002201632.1), dbSNP rs1671913845, ClinGen allele CA347277465.